The following is an entry in ClinVar:

ClinVar aggregate classification (germline): Conflicting classifications of pathogenicity. Review status: criteria provided, conflicting classifications (1 of 4 stars). 7 submissions from 7 submitters: Uncertain significance (6); Benign (1). Last evaluated 2025-10-31.

Conditions:
Hereditary nonpolyposis colorectal neoplasms. Identifiers: MedGen C0009405, MeSH D003123.
Lynch syndrome. Identifiers: Orphanet 144, MedGen C4552100, MONDO:0005835. Disease mechanism: loss of function.
Lynch syndrome 4 (LYNCH4). Also called: Colorectal cancer, hereditary nonpolyposis, type 4; Hereditary non-polyposis colorectal cancer, type 4. Identifiers: Orphanet 144, MedGen C1838333, MONDO:0013699, OMIM 614337. Disease mechanism: loss of function.
Hereditary cancer-predisposing syndrome. Also called: Tumor predisposition; Hereditary Cancer Syndrome; Neoplastic Syndromes, Hereditary; Hereditary neoplastic syndrome. Identifiers: Orphanet 140162, MedGen C0027672, MeSH D009386, MONDO:0015356.

gnomAD v4.1: 6 of 1,614,026 alleles (0.00037%); highest among the groups gnomAD compares: East Asian, 0.0045%; no homozygotes.

Submissions (7):

Labcorp Genetics (formerly Invitae), Labcorp
Classification: Uncertain significance for Hereditary nonpolyposis colorectal neoplasms. Last evaluated: 2025-10-31. Review status: criteria provided, single submitter. Criteria: Invitae Variant Classification Sherloc (09022015). Collection method: clinical testing. Allele origin: germline.
Comment: This sequence change affects codon 517 of the PMS2 mRNA. It is a 'silent' change, meaning that it does not change the encoded amino acid sequence of the PMS2 protein. This variant is present in population databases (rs587782479, gnomAD 0.003%). This variant has not been reported in the literature in individuals affected with PMS2-related conditions. ClinVar contains an entry for this variant (Variation ID: 490093). RNA analysis provides insufficient evidence to determine the effect of this variant on PMS2 splicing (internal data). In summary, the available evidence is currently insufficient to determine the role of this variant in disease. Therefore, it has been classified as a Variant of Uncertain Significance.

Myriad Genetics, Inc.
Classification: Benign for Lynch syndrome 4. Last evaluated: 2025-01-30. Review status: criteria provided, single submitter. Criteria: Myriad Autosomal Dominant, Autosomal Recessive and X-Linked Classification Criteria (2023). Collection method: clinical testing. Allele origin: unknown.
Comment: This variant is considered benign. This variant is a silent/synonymous amino acid change and it is not expected to impact splicing.

Blueprint Genetics
Classification: Uncertain significance. Last evaluated: 2024-11-12. Review status: criteria provided, single submitter. Criteria: ACMG Guidelines, 2015. Collection method: clinical testing. Allele origin: germline.

Ambry Genetics
Classification: Uncertain significance for Hereditary cancer-predisposing syndrome. Last evaluated: 2024-04-23. Review status: criteria provided, single submitter. Criteria: Ambry Variant Classification Scheme 2023. Collection method: clinical testing. Allele origin: germline.
Comment: The c.1551C>T variant (also known as p.S517S), located in coding exon 11 of the PMS2 gene, results from a C to T substitution at nucleotide position 1551. This nucleotide substitution does not change the serine at codon 517. This variant has been identified in a cohort of 8085 Chinese breast cancer patients (Hu L et al. NPJ Breast Cancer, 2022 Apr;8:52). This nucleotide position is poorly conserved in available vertebrate species. In silico splice site analysis predicts that this alteration will result in the creation or strengthening of a novel splice donor site. Based on the available evidence, the clinical significance of this variant remains unclear.

Color Diagnostics, LLC DBA Color Health
Classification: Uncertain significance for Hereditary cancer-predisposing syndrome. Last evaluated: 2023-12-05. Review status: criteria provided, single submitter. Criteria: ACMG Guidelines, 2015. Collection method: clinical testing. Allele origin: germline.
Comment: This synonymous variant causes a C>T nucleotide change in exon 11 of the PMS2 gene. Splice site prediction tools suggest that this variant may impact RNA splicing. To our knowledge, functional studies have not been reported for this variant. This variant has not been reported in individuals affected with PMS2-related disorders in the literature. This variant has been identified in 2/251270 chromosomes in the general population by the Genome Aggregation Database (gnomAD). The available evidence is insufficient to determine the role of this variant in disease conclusively. Therefore, this variant is classified as a Variant of Uncertain Significance.

All of Us Research Program, National Institutes of Health
Classification: Uncertain significance for Lynch syndrome. Last evaluated: 2023-10-02. Review status: criteria provided, single submitter. Criteria: ACMG Guidelines, 2015. Collection method: clinical testing. Allele origin: germline. Inheritance: Autosomal dominant inheritance. Observed: 1 variant allele, 1 heterozygote.
Comment: This synonymous variant causes a C>T nucleotide change in exon 11 of the PMS2 gene. Splice site prediction tools suggest that this variant may impact RNA splicing. To our knowledge, functional studies have not been reported for this variant. This variant has not been reported in individuals affected with PMS2-related disorders in the literature. This variant has been identified in 2/251270 chromosomes in the general population by the Genome Aggregation Database (gnomAD). The available evidence is insufficient to determine the role of this variant in disease conclusively. Therefore, this variant is classified as a Variant of Uncertain Significance.

This study involves interpretation of variants in research participants for the purpose of population health screening. Participant phenotype was not available at the time of variant classification. Additional details can be found in publication PMID: 35346344, PMCID: PMC8962531

GeneDx
Classification: Uncertain significance. Last evaluated: 2023-06-14. Review status: criteria provided, single submitter. Criteria: GeneDx Variant Classification Process June 2021. Collection method: clinical testing. Allele origin: germline. Affected: yes.
Comment: Not observed at significant frequency in large population cohorts (gnomAD); In silico analysis supports a deleterious effect on splicing; Has not been previously published as pathogenic or benign to our knowledge

Literature cited by the submitters: PubMed 35449176 (cited by Ambry Genetics).

NM_000535.7(PMS2):c.1551C>T (p.Ser517=)

Gene: PMS2 (PMS1 homolog 2, mismatch repair system component; minus strand). Cytogenetic location: 7p22.1.
Variant type: single nucleotide variant.
Coding change: c.1551C>T on transcript NM_000535.7 (MANE Select); coding-DNA position 1551, C replaced by T.
Protein change: p.Ser517=; no amino-acid change (serine 517 retained).
Molecular consequence: synonymous variant. On other transcripts: non-coding transcript variant (1).
Genome position (GRCh38, 1-based): chr7:5,987,214, G>A on the plus strand (C>T on the coding strand, the complement: PMS2 is on the minus strand). VCF-style: chr7-5987214-G-A. GRCh37 (hg19) VCF-style: chr7-6026845-G-A.
Other names: c.1146C>T, p.Ser382= (NM_001322003.2, NM_001322004.2, NM_001322005.2 and 1 more transcripts); c.1395C>T, p.Ser465= (NM_001322006.2); c.1233C>T, p.Ser411= (NM_001322007.2, NM_001322008.2); c.990C>T, p.Ser330= (NM_001322010.2); c.618C>T, p.Ser206= (NM_001322011.2, NM_001322012.2); c.978C>T, p.Ser326= (NM_001322013.2); c.1551C>T, p.Ser517= (NM_001322014.2); c.1242C>T, p.Ser414= (NM_001322015.2).
Identifiers: ClinVar variation 490093 (VCV000490093.21), dbSNP rs587782479, ClinGen allele CA044294.
Genomic context (GRCh38, chr7:5,987,214, plus strand): 5'-CTCCTGAGAGTCCACATGTTCCTGCGAGCCCCTGTCCCCTGGGGAGCTGGCCGCATACTC[G>A]CTGCTGCAGTGACTGCCCGTGTCTGGGATGCTGAACCCCTCAGAATCCACGGAAGTGCTG-3'
Protein context (NP_000526.2, residues 507-527): SIPDTGSHCS[Ser517=]EYAASSPGDR